The following is an entry in ClinVar:

NM_001287.6(CLCN7):c.2402C>T (p.Ser801Leu)

Gene: CLCN7 (Cl-/H+ antiporter 7; minus strand). Cytogenetic location: 16p13.3.
Variant type: single nucleotide variant.
Coding change: c.2402C>T on transcript NM_001287.6 (MANE Select); coding-DNA position 2402, C replaced by T.
Protein change: p.Ser801Leu; replaces serine 801 with leucine.
Molecular consequence: missense variant.
Genome position (GRCh38, 1-based): chr16:1,446,647, G>A on the plus strand (C>T on the coding strand, the complement: CLCN7 is on the minus strand). VCF-style: chr16-1446647-G-A. GRCh37 (hg19) VCF-style: chr16-1496648-G-A.
Other names: c.2330C>T, p.Ser777Leu (NM_001114331.3); c.2402C>T (NM_001287.4); short protein forms S801L, S777L.
Identifiers: ClinVar variation 887290 (VCV000887290.13), dbSNP rs184833329, ClinGen allele CA7809819.

ClinVar aggregate classification (germline): Uncertain significance. Review status: criteria provided, multiple submitters, no conflicts (2 of 4 stars). 5 submissions from 5 submitters: Uncertain significance (5). Last evaluated 2025-06-11.

Conditions:
Osteopetrosis. Identifiers: Orphanet 2781, MedGen C0029454, MONDO:0017198, HP:0011002.
Inborn genetic diseases. Identifiers: MedGen C0950123, MeSH D030342.

Allele frequency attached by ClinVar (database versions not stated): gnomAD exomes 0.00006; TOPMed 0.00006; 1000 Genomes Project 30x 0.00016; ExAC 0.00017; 1000 Genomes Project 0.00020.

Submissions (5):

GeneDx
Classification: Uncertain significance. Last evaluated: 2025-06-11. Review status: criteria provided, single submitter. Criteria: GeneDx Variant Classification Process June 2021. Collection method: clinical testing. Allele origin: germline.
Comment: In silico analysis indicates that this missense variant does not alter protein structure/function; Has not been previously published as pathogenic or benign to our knowledge

Women's Health and Genetics/Laboratory Corporation of America, LabCorp
Classification: Uncertain significance. Last evaluated: 2024-12-09. Review status: criteria provided, single submitter. Criteria: LabCorp Variant Classification Summary - May 2015. Collection method: clinical testing. Allele origin: germline.
Comment: Variant summary: CLCN7 c.2402C>T (p.Ser801Leu) results in a non-conservative amino acid change in the encoded protein sequence. Three of five in-silico tools predict a benign effect of the variant on protein function. The variant allele was found at a frequency of 6e-05 in 183000 control chromosomes. This frequency is not significantly higher than estimated for a pathogenic variant in CLCN7 causing Hypopigmentation, Organomegaly, And Delayed Myelination And Development, allowing no conclusion about variant significance. To our knowledge, no occurrence of c.2402C>T in individuals affected with Hypopigmentation, Organomegaly, And Delayed Myelination And Development and no experimental evidence demonstrating its impact on protein function have been reported. ClinVar contains an entry for this variant (Variation ID: 887290). Based on the evidence outlined above, the variant was classified as uncertain significance.

Labcorp Genetics (formerly Invitae), Labcorp
Classification: Uncertain significance. Last evaluated: 2024-11-05. Review status: criteria provided, single submitter. Criteria: Invitae Variant Classification Sherloc (09022015). Collection method: clinical testing. Allele origin: germline.
Comment: This sequence change replaces serine, which is neutral and polar, with leucine, which is neutral and non-polar, at codon 801 of the CLCN7 protein (p.Ser801Leu). This variant is present in population databases (rs184833329, gnomAD 0.01%). This variant has not been reported in the literature in individuals affected with CLCN7-related conditions. ClinVar contains an entry for this variant (Variation ID: 887290). An algorithm developed to predict the effect of missense changes on protein structure and function (PolyPhen-2) suggests that this variant is likely to be tolerated. In summary, the available evidence is currently insufficient to determine the role of this variant in disease. Therefore, it has been classified as a Variant of Uncertain Significance.

Ambry Genetics
Classification: Uncertain significance for Inborn genetic diseases. Last evaluated: 2023-12-08. Review status: criteria provided, single submitter. Criteria: Ambry Variant Classification Scheme 2023. Collection method: clinical testing. Allele origin: germline.

Illumina Laboratory Services, Illumina
Classification: Uncertain significance for Osteopetrosis. Last evaluated: 2018-03-23. Review status: criteria provided, single submitter. Criteria: ICSL Variant Classification Criteria 13 December 2019. Collection method: clinical testing. Allele origin: germline.